The following is an entry in ClinVar:

NM_153026.3(PRICKLE1):c.2422C>A (p.Pro808Thr)

Gene: PRICKLE1 (prickle planar cell polarity protein 1; minus strand). Cytogenetic location: 12q12.
Variant type: single nucleotide variant.
Coding change: c.2422C>A on transcript NM_153026.3 (MANE Select); coding-DNA position 2422, C replaced by A.
Protein change: p.Pro808Thr; replaces proline 808 with threonine.
Molecular consequence: missense variant.
Genome position (GRCh38, 1-based): chr12:42,459,883, G>T on the plus strand (C>A on the coding strand, the complement: PRICKLE1 is on the minus strand). VCF-style: chr12-42459883-G-T. GRCh37 (hg19) VCF-style: chr12-42853685-G-T.
Other names: c.2422C>A, p.Pro808Thr (NM_001144881.2, NM_001144882.2, NM_001144883.2); short protein forms P808T.
Identifiers: ClinVar variation 939684 (VCV000939684.7), dbSNP rs780823369, ClinGen allele CA6519600.

ClinVar aggregate classification (germline): Uncertain significance (1 of 4 stars; one submission).

Conditions:
Epilepsy, progressive myoclonic, 1B. Also called: PME. Identifiers: Orphanet 308, MedGen C2676254, MONDO:0012904, OMIM 612437.

Allele frequency attached by ClinVar (database versions not stated): gnomAD exomes 0.00001; ExAC 0.00002.

Submission:

Labcorp Genetics (formerly Invitae), Labcorp
Classification: Uncertain significance for Epilepsy, progressive myoclonic, 1B. Last evaluated: 2021-08-31. Review status: criteria provided, single submitter. Criteria: Invitae Variant Classification Sherloc (09022015). Collection method: clinical testing. Allele origin: germline.
Comment: This sequence change replaces proline with threonine at codon 808 of the PRICKLE1 protein (p.Pro808Thr). The proline residue is moderately conserved and there is a small physicochemical difference between proline and threonine. This variant is present in population databases (rs780823369, ExAC 0.02%). This variant has not been reported in the literature in individuals affected with PRICKLE1-related conditions. Algorithms developed to predict the effect of missense changes on protein structure and function (SIFT, PolyPhen-2, Align-GVGD) all suggest that this variant is likely to be tolerated. In summary, the available evidence is currently insufficient to determine the role of this variant in disease. Therefore, it has been classified as a Variant of Uncertain Significance.